The following is an entry in ClinVar:

ClinVar aggregate classification (germline): Conflicting classifications of pathogenicity. Review status: criteria provided, conflicting classifications (1 of 4 stars). 3 submissions from 3 submitters: Uncertain significance (1); Likely benign (2). Last evaluated 2025-02-26.

Conditions:
Fanconi anemia (FA). Also called: Fanconi's anemia. Identifiers: Orphanet 84, MedGen C0015625, MeSH D005199, MONDO:0019391.

Allele frequency attached by ClinVar (database versions not stated): gnomAD 0.00001; TOPMed 0.00001; ExAC 0.00002.
gnomAD v4.1: 33 of 1,608,534 alleles (0.0021%); highest among the groups gnomAD compares: African/African-American, 0.0027%; no homozygotes.

Submissions (3):

Quest Diagnostics Nichols Institute San Juan Capistrano
Classification: Likely benign. Last evaluated: 2025-02-26. Review status: criteria provided, single submitter. Criteria: Quest Diagnostics criteria. Collection method: clinical testing. Allele origin: unknown.

Labcorp Genetics (formerly Invitae), Labcorp
Classification: Likely benign for Fanconi anemia. Last evaluated: 2024-08-14. Review status: criteria provided, single submitter. Criteria: Invitae Variant Classification Sherloc (09022015). Collection method: clinical testing. Allele origin: germline.

GeneDx
Classification: Uncertain significance. Last evaluated: 2023-11-03. Review status: criteria provided, single submitter. Criteria: GeneDx Variant Classification Process June 2021. Collection method: clinical testing. Allele origin: germline. Affected: yes.
Comment: Not observed at significant frequency in large population cohorts (gnomAD); Has not been previously published as pathogenic or benign to our knowledge; In silico analysis is inconclusive as to whether the variant alters gene splicing. In the absence of RNA/functional studies, the actual effect of this sequence change is unknown.

NM_020937.4(FANCM):c.1071C>T (p.Ile357=)

Gene: FANCM (FA complementation group M; plus strand). Cytogenetic location: 14q21.2.
Variant type: single nucleotide variant.
Coding change: c.1071C>T on transcript NM_020937.4 (MANE Select); coding-DNA position 1071, C replaced by T.
Protein change: p.Ile357=; no amino-acid change (isoleucine 357 retained).
Molecular consequence: synonymous variant.
Genome position (GRCh38, 1-based): chr14:45,153,940, C>T. VCF-style: chr14-45153940-C-T. GRCh37 (hg19) VCF-style: chr14-45623143-C-T.
Other names: c.993C>T, p.Ile331= (NM_001308133.2); c.1071C>T, p.Ile357= (NM_001308134.2); c.1071C>T (NM_020937.2, NM_020937.3).
Identifiers: ClinVar variation 1594575 (VCV001594575.10), dbSNP rs780333012, ClinGen allele CA7168929.